The following is an entry in ClinVar:

NM_000097.7(CPOX):c.178C>G (p.Arg60Gly)

Genes: CPOX (coproporphyrinogen oxidase; minus strand), LOC129937121 (ATAC-STARR-seq lymphoblastoid silent region 14560; plus strand). Cytogenetic location: 3q11.2.
Variant type: single nucleotide variant.
Coding change: c.178C>G on transcript NM_000097.7 (MANE Select); coding-DNA position 178, C replaced by G.
Protein change: p.Arg60Gly; replaces arginine 60 with glycine.
Molecular consequence: missense variant.
Genome position (GRCh38, 1-based): chr3:98,593,327, G>C on the plus strand (C>G on the coding strand, the complement: CPOX is on the minus strand). VCF-style: chr3-98593327-G-C. GRCh37 (hg19) VCF-style: chr3-98312171-G-C.
Other names: c.178C>G (NM_000097.5); short protein forms R60G.
Identifiers: ClinVar variation 1049038 (VCV001049038.3), dbSNP rs780436492, ClinGen allele CA2511757.

ClinVar aggregate classification (germline): Uncertain significance. Review status: criteria provided, multiple submitters, no conflicts (2 of 4 stars). 3 submissions from 3 submitters: Uncertain significance (2). 1 of the submissions does not count toward it. Last evaluated 2023-11-20.

Conditions:
Harderoporphyria (HARPO). Identifiers: Orphanet 659672, MedGen C0342859, MONDO:0030048, OMIM 618892.
Hereditary coproporphyria (HCP). Also called: Hereditary coproporphyria porphyria; Porphyria hepatica coproporphyria; Porphyria hepatica II; CPRO deficiency; COPROPORPHYRINOGEN OXIDASE DEFICIENCY; CPO DEFICIENCY. Identifiers: Orphanet 79273, MedGen C0162531, MONDO:0007369, OMIM 121300.
Inborn genetic diseases. Identifiers: MedGen C0950123, MeSH D030342.

Allele frequency attached by ClinVar (database versions not stated): gnomAD 0.00002 and 0.00009; TOPMed 0.00003; gnomAD exomes 0.00014 and 0.00036; 1000 Genomes Project 30x 0.00016.
gnomAD v4.1: 189 of 1,374,510 alleles (0.014%); highest among the groups gnomAD compares: South Asian, 0.27%; 2 homozygotes.

Submissions (3):

Ambry Genetics
Classification: Uncertain significance for Inborn genetic diseases. Last evaluated: 2023-11-20. Review status: criteria provided, single submitter. Criteria: Ambry Variant Classification Scheme 2023. Collection method: clinical testing. Allele origin: germline.

Fulgent Genetics
Classification: Uncertain significance for Hereditary coproporphyria; Harderoporphyria. Last evaluated: 2022-01-20. Review status: criteria provided, single submitter. Criteria: ACMG Guidelines, 2015. Collection method: clinical testing. Allele origin: unknown.

Department of Pathology and Laboratory Medicine, Sinai Health System
Classification: Uncertain significance. Review status: no assertion criteria provided. Collection method: clinical testing. Allele origin: unknown. Affected: yes. Study: The Canadian Open Genetics Repository (COGR). Not counted in ClinVar's aggregate classification.
Comment: The CPOX p.Arg60Gly variant was not identified in the literature nor was it identified in ClinVar, Cosmic or LOVD 3.0. The variant was identified in dbSNP (ID: rs780436492) and was also identified in control databases in 7 of 45088 chromosomes at a frequency of 0.000155 (Genome Aggregation Database March 6, 2019, v2.1.1). The variant was observed in the following populations: South Asian in 3 of 1326 chromosomes (freq: 0.002262), East Asian in 1 of 3416 chromosomes (freq: 0.000293) and European (non-Finnish) in 3 of 21742 chromosomes (freq: 0.000138), but was not observed in the African, Latino, Ashkenazi Jewish, European (Finnish), and Other populations. Although the p.Arg60 residue is not conserved in mammals and other organisms, computational analyses (PolyPhen-2, SIFT, AlignGVGD, BLOSUM, MutationTaster) suggest that the variant may impact the protein. The variant occurs outside of the splicing consensus sequence and in silico or computational prediction software programs (SpliceSiteFinder, MaxEntScan, NNSPLICE, GeneSplicer) do not predict a difference in splicing. In summary, based on the above information the clinical significance of this variant cannot be determined with certainty at this time. This variant is classified as a variant of uncertain significance.